The following is an entry in ClinVar:

NM_000454.5(SOD1):c.425G>C (p.Gly142Ala)

Gene: SOD1 (superoxide dismutase 1; plus strand). Cytogenetic location: 21q22.11.
Variant type: single nucleotide variant.
Coding change: c.425G>C on transcript NM_000454.5 (MANE Select); coding-DNA position 425, G replaced by C.
Protein change: p.Gly142Ala; replaces glycine 142 with alanine.
Molecular consequence: missense variant.
Genome position (GRCh38, 1-based): chr21:31,668,538, G>C. VCF-style: chr21-31668538-G-C. GRCh37 (hg19) VCF-style: chr21-33040851-G-C.
Other names: short protein forms G142A.
Identifiers: ClinVar variation 2436219 (VCV002436219.8), dbSNP rs1568811489, ClinGen allele CA410037778.

ClinVar aggregate classification (germline): Conflicting classifications of pathogenicity. Review status: criteria provided, conflicting classifications (1 of 4 stars). 3 submissions from 3 submitters: Pathogenic (2); Uncertain significance (1). Last evaluated 2025-08-04.

Conditions:
Amyotrophic lateral sclerosis type 1 (ALS1). Also called: AMYOTROPHIC LATERAL SCLEROSIS 1, FAMILIAL. Identifiers: Orphanet 803, MedGen C1862939, MONDO:0007103, OMIM 105400.

Submissions (3):

Athena Diagnostics
Classification: Pathogenic. Last evaluated: 2025-08-04. Review status: criteria provided, single submitter. Criteria: Athena Diagnostics Criteria. Collection method: clinical testing. Allele origin: unknown.
Comment: This variant has not been reported in large, multi-ethnic general populations. This variant has been identified in multiple unrelated individuals with clinical features of amyotrophic lateral sclerosis. This variant is also referred to as p.Gly141Ala in published literature. Polyphen and MutationTaster predict this amino acid change may be damaging to the protein.

Labcorp Genetics (formerly Invitae), Labcorp
Classification: Pathogenic for Amyotrophic lateral sclerosis type 1. Last evaluated: 2024-06-25. Review status: criteria provided, single submitter. Criteria: Invitae Variant Classification Sherloc (09022015). Collection method: clinical testing. Allele origin: germline.
Comment: This sequence change replaces glycine, which is neutral and non-polar, with alanine, which is neutral and non-polar, at codon 142 of the SOD1 protein (p.Gly142Ala). This variant is not present in population databases (gnomAD no frequency). This missense change has been observed in individuals with amyotrophic lateral sclerosis (PMID: 32166880, 32174179, 32729724). It has also been observed to segregate with disease in related individuals. ClinVar contains an entry for this variant (Variation ID: 2436219). Advanced modeling of protein sequence and biophysical properties (such as structural, functional, and spatial information, amino acid conservation, physicochemical variation, residue mobility, and thermodynamic stability) performed at Invitae indicates that this missense variant is expected to disrupt SOD1 protein function with a positive predictive value of 95%. This variant disrupts the p.Gly142 amino acid residue in SOD1. Other variant(s) that disrupt this residue have been determined to be pathogenic (PMID: 14759637, 23280792). This suggests that this residue is clinically significant, and that variants that disrupt this residue are likely to be disease-causing. For these reasons, this variant has been classified as Pathogenic.

Revvity Omics, Revvity
Classification: Uncertain significance. Last evaluated: 2020-01-30. Review status: criteria provided, single submitter. Criteria: ACMG Guidelines, 2015. Collection method: clinical testing. Allele origin: germline.

Literature cited by the submitters: PubMed 32729724 (cited by Athena Diagnostics and Labcorp Genetics (formerly Invitae), Labcorp); PubMed 35016464 (cited by Athena Diagnostics); PubMed 35328090 (cited by Athena Diagnostics); PubMed 31866807 (cited by Athena Diagnostics); PubMed 22292843 (cited by Athena Diagnostics); PubMed 26742954 (cited by Athena Diagnostics); PubMed 22244934 (cited by Athena Diagnostics); PubMed 32166880 (cited by Athena Diagnostics and Labcorp Genetics (formerly Invitae), Labcorp); PubMed 23447461 (cited by Athena Diagnostics); PubMed 32174179 (cited by Athena Diagnostics and Labcorp Genetics (formerly Invitae), Labcorp); PubMed 30701485 (cited by Athena Diagnostics); PubMed 36169888 (cited by Athena Diagnostics); PubMed 21603025 (cited by Athena Diagnostics); PubMed 30637102 (cited by Athena Diagnostics); PubMed 14759637 (cited by Labcorp Genetics (formerly Invitae), Labcorp); PubMed 23280792 (cited by Labcorp Genetics (formerly Invitae), Labcorp).